The following is an entry in ClinVar:

NM_012433.4(SF3B1):c.2759C>T (p.Ala920Val)

Gene: SF3B1 (splicing factor 3b subunit 1; minus strand). Cytogenetic location: 2q33.1.
Variant type: single nucleotide variant.
Coding change: c.2759C>T on transcript NM_012433.4 (MANE Select); coding-DNA position 2759, C replaced by T.
Protein change: p.Ala920Val; replaces alanine 920 with valine.
Molecular consequence: missense variant.
Genome position (GRCh38, 1-based): chr2:197,400,394, G>A on the plus strand (C>T on the coding strand, the complement: SF3B1 is on the minus strand). VCF-style: chr2-197400394-G-A. GRCh37 (hg19) VCF-style: chr2-198265118-G-A.
Other names: short protein forms A920V.
Identifiers: ClinVar variation 5037401 (VCV005037401.1).

ClinVar aggregate classification (germline): Uncertain significance (1 of 4 stars; one submission).

gnomAD v4.1: 1 of 1,613,536 alleles (0.000062%); highest among the groups gnomAD compares: Non-Finnish European, 0.000085%; no homozygotes.

Submission:

GeneDx
Classification: Uncertain significance. Last evaluated: 2026-04-21. Review status: criteria provided, single submitter. Criteria: GeneDx Variant Classification Process June 2021. Collection method: clinical testing. Allele origin: germline.
Comment: Not observed at significant frequency in large population cohorts (gnomAD); In silico analysis supports that this missense variant has a deleterious effect on protein structure/function; Has not been previously published as pathogenic or benign to our knowledge